The following is an entry in ClinVar:

ClinVar aggregate classification (germline): Uncertain significance (1 of 4 stars; one submission).

Submission:

Labcorp Genetics (formerly Invitae), Labcorp
Classification: Uncertain significance. Last evaluated: 2023-09-21. Review status: criteria provided, single submitter. Criteria: Invitae Variant Classification Sherloc (09022015). Collection method: clinical testing. Allele origin: germline.
Comment: This variant has not been reported in the literature in individuals affected with PRPF31-related conditions. This sequence change falls in intron 8 of the PRPF31 gene. It does not directly change the encoded amino acid sequence of the PRPF31 protein. It affects a nucleotide within the consensus splice site. This variant is not present in population databases (gnomAD no frequency). Variants that disrupt the consensus splice site are a relatively common cause of aberrant splicing (PMID: 17576681, 9536098). Algorithms developed to predict the effect of sequence changes on RNA splicing suggest that this variant may disrupt the consensus splice site. This variant disrupts the c.855+5G nucleotide in the PRPF31 gene. Other variant(s) that disrupt this nucleotide have been determined to be pathogenic (PMID: 33085829). This suggests that this nucleotide is clinically significant, and that variants that disrupt this position are likely to be disease-causing. In summary, the available evidence is currently insufficient to determine the role of this variant in disease. Therefore, it has been classified as a Variant of Uncertain Significance.

Literature cited by the submitters: PubMed 17576681; PubMed 9536098; PubMed 33085829.

NM_015629.4(PRPF31):c.855+5G>C

Gene: PRPF31 (pre-mRNA processing factor 31; plus strand). Cytogenetic location: 19q13.42.
Variant type: single nucleotide variant.
Coding change: c.855+5G>C on transcript NM_015629.4 (MANE Select); 5 bases into the intron after coding-DNA position 855, G replaced by C.
Molecular consequence: intron variant.
Genome position (GRCh38, 1-based): chr19:54,124,661, G>C. VCF-style: chr19-54124661-G-C. GRCh37 (hg19) VCF-style: chr19-54628040-G-C.
Identifiers: ClinVar variation 2762480 (VCV002762480.3), dbSNP rs2146426154, ClinGen allele CA2697547248.